The following is an entry in ClinVar:

NM_000520.5(HEXA):c.989_1010dup

Gene: HEXA (hexosaminidase subunit alpha; minus strand). Cytogenetic location: 15q23.
Variant type: Duplication.
Coding change: c.989_1010dup on transcript NM_000520.5; coding-DNA positions 989 to 1010, 22 bases duplicated (AGTCCAACCCAGAGATCCAGGA).
Genome position (GRCh38, 1-based): chr15:72,348,111-72,348,132, TCCTGGATCTCTGGGTTGGACT duplicated on the plus strand (AGTCCAACCCAGAGATCCAGGA on the coding strand, the reverse complement: HEXA is on the minus strand); duplicating any 22 consecutive bases within chr15:72,348,111-72,348,137 gives the same sequence; the c. name uses the placement nearest the transcript's 3' end. VCF-style (leftmost placement, unchanged base first): chr15-72348110-G-GTCCTGGATCTCTGGGTTGGACT. GRCh37 (hg19) VCF-style: chr15-72640451-G-GTCCTGGATCTCTGGGTTGGACT.
Identifiers: ClinVar variation 4069142 (VCV004069142.1).

ClinVar aggregate classification (germline): Likely pathogenic (1 of 4 stars; one submission).

Conditions:
Tay-Sachs disease (TSD). Also called: HEXA DEFICIENCY; GM2 gangliosidosis, type 1; Hexosaminidase alpha-subunit deficiency (variant B); Sphingolipidosis, Tay-Sachs; Hexosaminidase A Deficiency; HEXA Disorders. Identifiers: Orphanet 845, MedGen C0039373, MONDO:0010100, OMIM 272800.

Submission:

Natera, Inc.
Classification: Likely pathogenic for Tay-Sachs disease. Last evaluated: 2025-04-11. Review status: criteria provided, single submitter. Criteria: Natera Variant Classification Schema (03/2026). Collection method: clinical testing. Allele origin: germline.
Comment: The c.989_1010dup variant in HEXA is a frameshift variant predicted to shift the reading frame beginning at codon 337 and leads to a stop codon 17 codons downstream. This variant is expected to result in nonsense mediated decay, truncation, or a dysfunctional protein product. This variant is rare in the general population with a frequency below the threshold expected for the associated phenotype(s). Given the available evidence, this variant is classified as Likely Pathogenic.